The following is an entry in ClinVar:

NM_153704.6(TMEM67):c.2425C>G (p.Leu809Val)

Gene: TMEM67 (transmembrane protein 67; plus strand). Cytogenetic location: 8q22.1.
Variant type: single nucleotide variant.
Coding change: c.2425C>G on transcript NM_153704.6 (MANE Select); coding-DNA position 2425, C replaced by G.
Protein change: p.Leu809Val; replaces leucine 809 with valine.
Molecular consequence: missense variant. On other transcripts: non-coding transcript variant (1).
Genome position (GRCh38, 1-based): chr8:93,804,864, C>G. VCF-style: chr8-93804864-C-G. GRCh37 (hg19) VCF-style: chr8-94817092-C-G.
Other names: c.2182C>G, p.Leu728Val (NM_001142301.1); short protein forms L728V, L809V.
Identifiers: ClinVar variation 2416105 (VCV002416105.8), dbSNP rs2536929919, ClinGen allele CA371698368.

ClinVar aggregate classification (germline): Uncertain significance (1 of 4 stars; one submission).

Conditions:
Joubert syndrome. Also called: CEREBELLOPARENCHYMAL DISORDER IV; JOUBERT-BOLTSHAUSER SYNDROME; Familial aplasia of the vermis. Identifiers: Orphanet 475, MedGen C5979921, MONDO:0018772.
Meckel-Gruber syndrome. Also called: DYSENCEPHALIA SPLANCHNOCYSTICA; GRUBER SYNDROME; Dysencephalia splachnocystica. Identifiers: Orphanet 564, MedGen C0265215, MONDO:0018921.

Allele frequency attached by ClinVar (database versions not stated): gnomAD exomes below 0.00001.
gnomAD v4.1: 1 of 1,570,740 alleles (0.000064%); highest among the groups gnomAD compares: South Asian, 0.0011%; no homozygotes.

Submission:

Labcorp Genetics (formerly Invitae), Labcorp
Classification: Uncertain significance for Joubert syndrome; Meckel-Gruber syndrome. Last evaluated: 2024-01-22. Review status: criteria provided, single submitter. Criteria: Invitae Variant Classification Sherloc (09022015). Collection method: clinical testing. Allele origin: germline.
Comment: This sequence change replaces leucine, which is neutral and non-polar, with valine, which is neutral and non-polar, at codon 809 of the TMEM67 protein (p.Leu809Val). This variant is not present in population databases (gnomAD no frequency). This variant has not been reported in the literature in individuals affected with TMEM67-related conditions. ClinVar contains an entry for this variant (Variation ID: 2416105). Advanced modeling of protein sequence and biophysical properties (such as structural, functional, and spatial information, amino acid conservation, physicochemical variation, residue mobility, and thermodynamic stability) performed at Invitae indicates that this missense variant is expected to disrupt TMEM67 protein function with a positive predictive value of 95%. In summary, the available evidence is currently insufficient to determine the role of this variant in disease. Therefore, it has been classified as a Variant of Uncertain Significance.